The following is an entry in ClinVar:

ClinVar aggregate classification (germline): Uncertain significance (1 of 4 stars; one submission).

Conditions:
Neuropathy, hereditary sensory and autonomic, type 2A (HSAN2A). Also called: ACROOSTEOLYSIS, GIACCAI TYPE; ACROOSTEOLYSIS, NEUROGENIC; MORVAN DISEASE; NEUROPATHY, CONGENITAL SENSORY; NEUROPATHY, HEREDITARY SENSORY RADICULAR, AUTOSOMAL RECESSIVE; NEUROPATHY, HEREDITARY SENSORY, TYPE IIA. Identifiers: Orphanet 970, MedGen C2752089, MONDO:0024309, OMIM 201300.
Generalized epilepsy with febrile seizures plus, type 7 (GEFSP7). Also called: GEFS+, TYPE 7. Identifiers: Orphanet 36387, MedGen C2751778, MONDO:0013470, OMIM 613863.

Submission:

Labcorp Genetics (formerly Invitae), Labcorp
Classification: Uncertain significance for Neuropathy, hereditary sensory and autonomic, type 2A; Generalized epilepsy with febrile seizures plus, type 7. Last evaluated: 2023-09-05. Review status: criteria provided, single submitter. Criteria: Invitae Variant Classification Sherloc (09022015). Collection method: clinical testing. Allele origin: germline.
Comment: This sequence change replaces alanine, which is neutral and non-polar, with aspartic acid, which is acidic and polar, at codon 1033 of the SCN9A protein (p.Ala1033Asp). This variant is not present in population databases (gnomAD no frequency). This variant has not been reported in the literature in individuals affected with SCN9A-related conditions. Advanced modeling of protein sequence and biophysical properties (such as structural, functional, and spatial information, amino acid conservation, physicochemical variation, residue mobility, and thermodynamic stability) performed at Invitae indicates that this missense variant is not expected to disrupt SCN9A protein function. In summary, the available evidence is currently insufficient to determine the role of this variant in disease. Therefore, it has been classified as a Variant of Uncertain Significance.

NM_001365536.1(SCN9A):c.3131C>A (p.Ala1044Asp)

Genes: SCN9A (sodium voltage-gated channel alpha subunit 9; minus strand), SCN1A-AS1 (SCN1A and SCN9A antisense RNA 1; plus strand). Cytogenetic location: 2q24.3.
Variant type: single nucleotide variant.
Coding change: c.3131C>A on transcript NM_001365536.1 (MANE Select); coding-DNA position 3131, C replaced by A.
Protein change: p.Ala1044Asp; replaces alanine 1044 with aspartic acid.
Molecular consequence: missense variant.
Genome position (GRCh38, 1-based): chr2:166,272,619, G>T on the plus strand (C>A on the coding strand, the complement: SCN9A is on the minus strand). VCF-style: chr2-166272619-G-T. GRCh37 (hg19) VCF-style: chr2-167129129-G-T.
Other names: c.3098C>A, p.Ala1033Asp (NM_002977.4); short protein forms A1033D, A1044D.
Identifiers: ClinVar variation 2951630 (VCV002951630.3), dbSNP rs1558998755, ClinGen allele CA349073723.